The following is an entry in ClinVar:

ClinVar aggregate classification (germline): Uncertain significance. Review status: criteria provided, multiple submitters, no conflicts (2 of 4 stars). 2 submissions from 2 submitters: Uncertain significance (2). Last evaluated 2023-11-20.

Conditions:
Cardiomyopathy (CMYO). Also called: Cardiomyopathies. Identifiers: Orphanet 167848, MedGen C0878544, MONDO:0004994, HP:0001638. Inheritance: Various modes of inheritance.
Arrhythmogenic cardiomyopathy with wooly hair and keratoderma. Also called: PALMOPLANTAR KERATODERMA WITH LEFT VENTRICULAR CARDIOMYOPATHY AND WOOLLY HAIR; Carvajal syndrome; Dilated cardiomyopathy with woolly hair and keratoderma; Arrhythmogenic cardiomyopathy with woolly hair and keratoderma. Identifiers: Orphanet 65282, MedGen C1854063, MONDO:0011581, OMIM 605676.

gnomAD v4.1: 1 of 1,614,068 alleles (0.000062%); highest among the groups gnomAD compares: Non-Finnish European, 0.000085%; no homozygotes.

Submissions (2):

All of Us Research Program, National Institutes of Health
Classification: Uncertain significance for Arrhythmogenic cardiomyopathy with wooly hair and keratoderma. Last evaluated: 2023-11-20. Review status: criteria provided, single submitter. Criteria: ACMG Guidelines, 2015. Collection method: clinical testing. Allele origin: germline. Inheritance: Autosomal dominant inheritance. Observed: 1 variant allele, 1 heterozygote.
Comment: This missense variant replaces glycine with glutamic acid at codon 2152 of the DSP protein. Computational prediction suggests that this variant may have deleterious impact on protein structure and function (internally defined REVEL score threshold >= 0.7, PMID: 27666373). To our knowledge, functional studies have not been reported for this variant. This variant has not been reported in individuals affected with DSP-related disorders in the literature. This variant has not been identified in the general population by the Genome Aggregation Database (gnomAD). The available evidence is insufficient to determine the role of this variant in disease conclusively. Therefore, this variant is classified as a Variant of Uncertain Significance.

This study involves interpretation of variants in research participants for the purpose of population health screening. Participant phenotype was not available at the time of variant classification. Additional details can be found in publication PMID: 35346344, PMCID: PMC8962531

Color Diagnostics, LLC DBA Color Health
Classification: Uncertain significance for Cardiomyopathy. Last evaluated: 2023-11-01. Review status: criteria provided, single submitter. Criteria: ACMG Guidelines, 2015. Collection method: clinical testing. Allele origin: germline.
Comment: This missense variant replaces glycine with glutamic acid at codon 2152 of the DSP protein. Computational prediction suggests that this variant may have deleterious impact on protein structure and function. To our knowledge, functional studies have not been reported for this variant. This variant has not been reported in individuals affected with DSP-related disorders in the literature. This variant has not been identified in the general population by the Genome Aggregation Database (gnomAD). The available evidence is insufficient to determine the role of this variant in disease conclusively. Therefore, this variant is classified as a Variant of Uncertain Significance.

NM_004415.4(DSP):c.6455G>A (p.Gly2152Glu)

Gene: DSP (desmoplakin; plus strand). Cytogenetic location: 6p24.3.
Variant type: single nucleotide variant.
Coding change: c.6455G>A on transcript NM_004415.4 (MANE Select); coding-DNA position 6455, G replaced by A.
Protein change: p.Gly2152Glu; replaces glycine 2152 with glutamic acid.
Molecular consequence: missense variant.
Genome position (GRCh38, 1-based): chr6:7,583,717, G>A. VCF-style: chr6-7583717-G-A. GRCh37 (hg19) VCF-style: chr6-7583950-G-A.
Other names: c.4658G>A, p.Gly1553Glu (NM_001008844.3); c.5126G>A, p.Gly1709Glu (NM_001319034.2); short protein forms G1553E, G1709E, G2152E.
Identifiers: ClinVar variation 3074448 (VCV003074448.2), dbSNP rs1040120840, ClinGen allele CA362690828.
Genomic context (GRCh38, chr6:7,583,717, plus strand): 5'-GGGGTGTAGTAGACCCTGTGAACAGTGTCTTTTTGCCAAAAGATGTCGCCTTGGCCCGGG[G>A]GCTGATTGATAGAGATTTGTATCGATCCCTGAATGATCCCCGAGATAGTCAGAAAAACTT-3'
Protein context (NP_004406.2, residues 2142-2162): FLPKDVALAR[Gly2152Glu]LIDRDLYRSL